The following is an entry in ClinVar:

ClinVar aggregate classification (germline): Pathogenic (1 of 4 stars; one submission).

Submission:

Labcorp Genetics (formerly Invitae), Labcorp
Classification: Pathogenic. Last evaluated: 2026-01-09. Review status: criteria provided, single submitter. Criteria: Invitae Variant Classification Sherloc (09022015). Collection method: clinical testing. Allele origin: germline.
Comment: This sequence change creates a premature translational stop signal (p.Ser48*) in the OCA2 gene. It is expected to result in an absent or disrupted protein product. Loss-of-function variants in OCA2 are known to be pathogenic (PMID: 19865097, 21541274). This variant is not present in population databases (gnomAD no frequency). This variant has not been reported in the literature in individuals affected with OCA2-related conditions. For these reasons, this variant has been classified as Pathogenic.

Literature cited by the submitters: PubMed 19865097; PubMed 21541274.

NM_000275.3(OCA2):c.143C>A (p.Ser48Ter)

Gene: OCA2 (OCA2 melanosomal transmembrane protein; minus strand). Cytogenetic location: 15q13.1.
Variant type: single nucleotide variant.
Coding change: c.143C>A on transcript NM_000275.3 (MANE Select); coding-DNA position 143, C replaced by A.
Protein change: p.Ser48Ter; replaces serine 48 with a stop codon.
Molecular consequence: nonsense.
Genome position (GRCh38, 1-based): chr15:28,081,732, G>T on the plus strand (C>A on the coding strand, the complement: OCA2 is on the minus strand). VCF-style: chr15-28081732-G-T. GRCh37 (hg19) VCF-style: chr15-28326878-G-T.
Other names: c.143C>A, p.Ser48Ter (NM_001300984.2); short protein forms S48*.
Identifiers: ClinVar variation 4766855 (VCV004766855.1).
Genomic context (GRCh38, chr15:28,081,732, plus strand): 5'-AACTCCTGGCCTGCAGGAGCCCAAGAGCTCTGCCCGGCAGCCCCCCTGGGGCAGGAGTGC[G>T]AGGGGTCAGCTCCACCGGCTCCCCGAGGAAGCCTGCGCTTGCCGGCCACAAGTTCAGCGA-3'